The following is an entry in ClinVar:

ClinVar aggregate classification (germline): Uncertain significance. Review status: criteria provided, multiple submitters, no conflicts (2 of 4 stars). 3 submissions from 3 submitters: Uncertain significance (3). Last evaluated 2025-06-24.

Conditions:
Inborn genetic diseases. Identifiers: MedGen C0950123, MeSH D030342.

Allele frequency attached by ClinVar (database versions not stated): ExAC 0.00003; gnomAD exomes 0.00003; gnomAD 0.00005 and 0.00006; TOPMed 0.00012; ESP Exome Variant Server 0.00015; 1000 Genomes Project 30x 0.00016; 1000 Genomes Project 0.00020.
gnomAD v4.1: 24 of 1,614,066 alleles (0.0015%); highest among the groups gnomAD compares: African/African-American, 0.021%; 1 homozygote.

Submissions (3):

Ambry Genetics
Classification: Uncertain significance for Inborn genetic diseases. Last evaluated: 2025-06-24. Review status: criteria provided, single submitter. Criteria: Ambry Variant Classification Scheme 2023. Collection method: clinical testing. Allele origin: germline.

Labcorp Genetics (formerly Invitae), Labcorp
Classification: Uncertain significance. Last evaluated: 2025-05-08. Review status: criteria provided, single submitter. Criteria: Invitae Variant Classification Sherloc (09022015). Collection method: clinical testing. Allele origin: germline.
Comment: This sequence change replaces proline, which is neutral and non-polar, with leucine, which is neutral and non-polar, at codon 88 of the CYP4V2 protein (p.Pro88Leu). This variant is present in population databases (rs377042245, gnomAD 0.03%). This variant has not been reported in the literature in individuals affected with CYP4V2-related conditions. ClinVar contains an entry for this variant (Variation ID: 1061065). Invitae Evidence Modeling of protein sequence and biophysical properties (such as structural, functional, and spatial information, amino acid conservation, physicochemical variation, residue mobility, and thermodynamic stability) indicates that this missense variant is expected to disrupt CYP4V2 protein function with a positive predictive value of 80%. In summary, the available evidence is currently insufficient to determine the role of this variant in disease. Therefore, it has been classified as a Variant of Uncertain Significance.

Blueprint Genetics
Classification: Uncertain significance. Last evaluated: 2024-07-22. Review status: criteria provided, single submitter. Criteria: ACMG Guidelines, 2015. Collection method: clinical testing. Allele origin: germline.

NM_207352.4(CYP4V2):c.263C>T (p.Pro88Leu)

Gene: CYP4V2 (cytochrome P450 family 4 subfamily V member 2; plus strand). Cytogenetic location: 4q35.1.
Variant type: single nucleotide variant.
Coding change: c.263C>T on transcript NM_207352.4 (MANE Select); coding-DNA position 263, C replaced by T.
Protein change: p.Pro88Leu; replaces proline 88 with leucine.
Molecular consequence: missense variant.
Genome position (GRCh38, 1-based): chr4:186,194,548, C>T. VCF-style: chr4-186194548-C-T. GRCh37 (hg19) VCF-style: chr4-187115702-C-T.
Other names: c.263C>T (NM_207352.3); short protein forms P88L.
Identifiers: ClinVar variation 1061065 (VCV001061065.10), dbSNP rs377042245, ClinGen allele CA3162484.